The following is an entry in ClinVar:

ClinVar aggregate classification (germline): Uncertain significance (1 of 4 stars; one submission).

Submission:

GeneDx
Classification: Uncertain significance. Last evaluated: 2022-10-21. Review status: criteria provided, single submitter. Criteria: GeneDx Variant Classification Process June 2021. Collection method: clinical testing. Allele origin: germline. Affected: yes.
Comment: Not observed at significant frequency in large population cohorts (gnomAD); In silico analysis supports that this missense variant has a deleterious effect on protein structure/function; Has not been previously published as pathogenic or benign to our knowledge

NM_001330288.2(SMARCC2):c.497C>T (p.Thr166Ile)

Gene: SMARCC2 (SWI/SNF related BAF chromatin remodeling complex subunit C2; minus strand). Cytogenetic location: 12q13.2.
Variant type: single nucleotide variant.
Coding change: c.497C>T on transcript NM_001330288.2 (MANE Select); coding-DNA position 497, C replaced by T.
Protein change: p.Thr166Ile; replaces threonine 166 with isoleucine.
Molecular consequence: missense variant.
Genome position (GRCh38, 1-based): chr12:56,184,240, G>A on the plus strand (C>T on the coding strand, the complement: SMARCC2 is on the minus strand). VCF-style: chr12-56184240-G-A. GRCh37 (hg19) VCF-style: chr12-56578024-G-A.
Other names: c.497C>T, p.Thr166Ile (NM_001130420.3, NM_003075.5, NM_139067.4); short protein forms T166I.
Identifiers: ClinVar variation 2499880 (VCV002499880.1), dbSNP rs2540955368, ClinGen allele CA385356080.